The following is an entry in ClinVar:

ClinVar aggregate classification (germline): Uncertain significance (1 of 4 stars; one submission).

Submission:

GeneDx
Classification: Uncertain significance. Last evaluated: 2023-06-16. Review status: criteria provided, single submitter. Criteria: GeneDx Variant Classification Process June 2021. Collection method: clinical testing. Allele origin: germline. Affected: yes.
Comment: Not observed at significant frequency in large population cohorts (gnomAD); In silico analysis supports that this missense variant has a deleterious effect on protein structure/function; Has not been previously published as pathogenic or benign to our knowledge

NM_020435.4(GJC2):c.155C>T (p.Ala52Val)

Gene: GJC2 (gap junction protein gamma 2; plus strand). Cytogenetic location: 1q42.13.
Variant type: single nucleotide variant.
Coding change: c.155C>T on transcript NM_020435.4 (MANE Select); coding-DNA position 155, C replaced by T.
Protein change: p.Ala52Val; replaces alanine 52 with valine.
Molecular consequence: missense variant.
Genome position (GRCh38, 1-based): chr1:228,157,913, C>T. VCF-style: chr1-228157913-C-T. GRCh37 (hg19) VCF-style: chr1-228345614-C-T.
Other names: short protein forms A52V.
Identifiers: ClinVar variation 3360031 (VCV003360031.1).
Genomic context (GRCh38, chr1:228,157,913, plus strand): 5'-TGGTCTTCCGCATCGTGCTGACGGCTGTGGGCGGCGAGGCCATCTACTCGGACGAGCAGG[C>T]CAAGTTCACTTGCAACACGCGGCAGCCAGGCTGCGACAACGTCTGCTATGACGCCTTCGC-3'
Protein context (NP_065168.2, residues 42-62): GGEAIYSDEQ[Ala52Val]KFTCNTRQPG